The following is an entry in ClinVar:

ClinVar aggregate classification (germline): Pathogenic (1 of 4 stars; one submission).

Conditions:
Neurodegeneration with brain iron accumulation 5 (NBIA5). Also called: Beta-propeller protein-associated neurodegeneration; STATIC ENCEPHALOPATHY OF CHILDHOOD WITH NEURODEGENERATION IN ADULTHOOD. Identifiers: Orphanet 329284, MedGen C3550973, MONDO:0010476, OMIM 300894.

Submission:

Labcorp Genetics (formerly Invitae), Labcorp
Classification: Pathogenic for Neurodegeneration with brain iron accumulation 5. Last evaluated: 2020-01-21. Review status: criteria provided, single submitter. Criteria: Invitae Variant Classification Sherloc (09022015). Collection method: clinical testing. Allele origin: germline.
Comment: This sequence change creates a premature translational stop signal (p.Leu267Glnfs*39) in the WDR45 gene. It is expected to result in an absent or disrupted protein product. This variant is not present in population databases (ExAC no frequency). This variant has not been reported in the literature in individuals with WDR45-related conditions. Loss-of-function variants in WDR45 are known to be pathogenic (PMID: 23176820, 24368176, 24621584, 25744623, 26790960, 27030146, 27652284, 28554332). For these reasons, this variant has been classified as Pathogenic.

Literature cited by the submitters: PubMed 23176820; PubMed 24368176; PubMed 24621584; PubMed 25744623; PubMed 26790960; PubMed 27030146; PubMed 27652284; PubMed 28554332.

NM_001029896.2(WDR45):c.797_798del (p.Leu266fs)

Gene: WDR45 (WD repeat domain 45; minus strand). Cytogenetic location: Xp11.23.
Variant type: Microsatellite.
Coding change: c.797_798del on transcript NM_001029896.2 (MANE Select); coding-DNA positions 797 to 798, 2 bases deleted (TC; older notation c.797_798delTC).
Protein change: p.Leu266fs; shifts the reading frame from leucine 266.
Molecular consequence: frameshift variant.
Genome position (GRCh38, 1-based): chrX:49,075,393-49,075,394, GA deleted on the plus strand (TC on the coding strand, the reverse complement: WDR45 is on the minus strand); deleting any 2 consecutive bases within chrX:49,075,393-49,075,397 gives the same sequence; the c. name uses the placement nearest the transcript's 3' end. VCF-style (leftmost placement, unchanged base first): chrX-49075392-TGA-T. GRCh37 (hg19) VCF-style: chrX-48933051-TGA-T.
Other names: c.800_801del, p.Leu267fs (NM_007075.4); short protein forms L266fs, L267fs.
Identifiers: ClinVar variation 1072452 (VCV001072452.2), dbSNP rs2147815120, ClinGen allele CA2580617040.